The following is an entry in ClinVar:

ClinVar aggregate classification (germline): Uncertain significance (1 of 4 stars; one submission).

Conditions:
POLD1-related polyposis and colorectal cancer syndrome (CRCS10). Also called: Colorectal cancer, susceptibility to, 10; Colorectal cancer 10; COLORECTAL CANCER, SUSCEPTIBILITY TO, ON CHROMOSOME 19q. Identifiers: Orphanet 220460, MedGen C2675481, MONDO:0012953, OMIM 612591.

Submission:

Labcorp Genetics (formerly Invitae), Labcorp
Classification: Uncertain significance for POLD1-related polyposis and colorectal cancer syndrome. Last evaluated: 2018-08-21. Review status: criteria provided, single submitter. Criteria: Invitae Variant Classification Sherloc (09022015). Collection method: clinical testing. Allele origin: germline.
Comment: This sequence change replaces proline with leucine at codon 15 of the POLD1 protein (p.Pro15Leu). The proline residue is moderately conserved and there is a moderate physicochemical difference between proline and leucine. This variant is not present in population databases (ExAC no frequency). This variant has not been reported in the literature in individuals with POLD1-related disease. In summary, the available evidence is currently insufficient to determine the role of this variant in disease. Therefore, it has been classified as a Variant of Uncertain Significance.

NM_002691.4(POLD1):c.44C>T (p.Pro15Leu)

Gene: POLD1 (DNA polymerase delta 1, catalytic subunit; plus strand). Cytogenetic location: 19q13.33.
Variant type: single nucleotide variant.
Coding change: c.44C>T on transcript NM_002691.4 (MANE Select); coding-DNA position 44, C replaced by T.
Protein change: p.Pro15Leu; replaces proline 15 with leucine.
Molecular consequence: missense variant. On other transcripts: non-coding transcript variant (1).
Genome position (GRCh38, 1-based): chr19:50,398,895, C>T. VCF-style: chr19-50398895-C-T. GRCh37 (hg19) VCF-style: chr19-50902152-C-T.
Other names: c.44C>T, p.Pro15Leu (NM_001256849.1, NM_001308632.1); short protein forms P15L.
Identifiers: ClinVar variation 657069 (VCV000657069.8), dbSNP rs1601188655, ClinGen allele CA406970033.